The following is an entry in ClinVar:

ClinVar aggregate classification (germline): Uncertain significance. Review status: criteria provided, multiple submitters, no conflicts (2 of 4 stars). 2 submissions from 2 submitters: Uncertain significance (2). Last evaluated 2025-07-21.

Conditions:
Tuberous sclerosis syndrome (TSC). Also called: Tuberous Sclerosis Complex; Tuberous sclerosis. Identifiers: Orphanet 805, MedGen C0041341, MONDO:0001734.
Tuberous sclerosis 2 (TSC2). Identifiers: Orphanet 805, MedGen C1860707, MONDO:0013199, OMIM 613254.

Submissions (2):

Color Diagnostics, LLC DBA Color Health
Classification: Uncertain significance for Tuberous sclerosis syndrome. Last evaluated: 2025-07-21. Review status: criteria provided, single submitter. Criteria: ACMG Guidelines, 2015. Collection method: clinical testing. Allele origin: germline.
Comment: This missense variant replaces glutamic acid with leucine at codon 393 of the TSC2 protein. To our knowledge, functional studies have not been reported for this variant. This variant has not been reported in individuals affected with TSC2-related disorders in the literature. This variant has not been identified in the general population by the Genome Aggregation Database (gnomAD). The available evidence is insufficient to determine the role of this variant in disease conclusively. Therefore, this variant is classified as a Variant of Uncertain Significance.

Labcorp Genetics (formerly Invitae), Labcorp
Classification: Uncertain significance for Tuberous sclerosis 2. Last evaluated: 2024-09-04. Review status: criteria provided, single submitter. Criteria: Invitae Variant Classification Sherloc (09022015). Collection method: clinical testing. Allele origin: germline.
Comment: This sequence change replaces glutamic acid, which is acidic and polar, with leucine, which is neutral and non-polar, at codon 393 of the TSC2 protein (p.Glu393Leu). Information on the frequency of this variant in the gnomAD database is not available, as this variant may be reported differently in the database. This variant has not been reported in the literature in individuals affected with TSC2-related conditions. An algorithm developed to predict the effect of missense changes on protein structure and function (PolyPhen-2) suggests that this variant is likely to be disruptive. In summary, the available evidence is currently insufficient to determine the role of this variant in disease. Therefore, it has been classified as a Variant of Uncertain Significance.

NM_000548.5(TSC2):c.1177_1178delinsCT (p.Glu393Leu)

Gene: TSC2 (TSC complex subunit 2; plus strand). Cytogenetic location: 16p13.3.
Variant type: Indel.
Coding change: c.1177_1178delinsCT on transcript NM_000548.5 (MANE Select); coding-DNA positions 1177 to 1178, GA replaced by CT.
Protein change: p.Glu393Leu; replaces glutamic acid 393 with leucine.
Molecular consequence: missense variant. On other transcripts: 5 prime UTR variant (10), non-coding transcript variant (5).
Genome position (GRCh38, 1-based): chr16:2,061,928-2,061,929, GA replaced by CT. VCF-style: chr16-2061928-GA-CT. GRCh37 (hg19) VCF-style: chr16-2111929-GA-CT.
Other names: c.1165_1166delinsCT, p.Glu389Leu (NM_001406673.1, NM_001406671.1); c.1030_1031delinsCT, p.Glu344Leu (NM_001406675.1, NM_001406676.1, NM_001406679.1 and 1 more transcripts); c.1120_1121delinsCT, p.Glu374Leu (NM_001406677.1); c.1066_1067delinsCT, p.Glu356Leu (NM_001406678.1, NM_001318827.2, NM_001406670.1); c.577_578delinsCT, p.Glu193Leu (NM_001406680.1, NM_001406682.1, NM_001406683.1 and 6 more transcripts); c.715_716delinsCT, p.Glu239Leu (NM_001406681.1); c.1177_1178delinsCT, p.Glu393Leu (NM_001077183.3, NM_001114382.3, NM_001363528.2 and 6 more transcripts); c.1210_1211delinsCT, p.Glu404Leu (NM_001318832.2); and 4 more; short protein forms E193L, E239L, E356L, E374L, E389L, E344L, E393L, E404L.
Identifiers: ClinVar variation 3664462 (VCV003664462.3).